The following is an entry in ClinVar:

NM_000292.3(PHKA2):c.3516T>G (p.Ser1172Arg)

Genes: PHKA2 (phosphorylase kinase regulatory subunit alpha 2; minus strand), PHKA2-AS1 (PHKA2 antisense RNA 1; plus strand). Cytogenetic location: Xp22.13.
Variant type: single nucleotide variant.
Coding change: c.3516T>G on transcript NM_000292.3 (MANE Select); coding-DNA position 3516, T replaced by G.
Protein change: p.Ser1172Arg; replaces serine 1172 with arginine.
Molecular consequence: missense variant. On other transcripts: non-coding transcript variant (1).
Genome position (GRCh38, 1-based): chrX:18,894,225, A>C on the plus strand (T>G on the coding strand, the complement: PHKA2 is on the minus strand). VCF-style: chrX-18894225-A-C. GRCh37 (hg19) VCF-style: chrX-18912343-A-C.
Other names: short protein forms S1172R.
Identifiers: ClinVar variation 1717870 (VCV001717870.5), dbSNP rs2518516812, ClinGen allele CA412375056.

ClinVar aggregate classification (germline): Uncertain significance (1 of 4 stars; one submission).

Conditions:
Glycogen storage disease IXa1. Also called: GLYCOGEN STORAGE DISEASE VIII; GSD VIII; Glycogen storage disease 8; LIVER GLYCOGENOSIS, X-LINKED, TYPE I. Identifiers: Orphanet 264580, MedGen C3694531, MONDO:0010598, OMIM 306000.

Allele frequency attached by ClinVar (database versions not stated): gnomAD exomes below 0.00001.
gnomAD v4.1: 2 of 1,211,670 alleles (0.00017%); highest among the groups gnomAD compares: East Asian, 0.003%; no homozygotes.

Submission:

Labcorp Genetics (formerly Invitae), Labcorp
Classification: Uncertain significance for Glycogen storage disease IXa1. Last evaluated: 2022-08-23. Review status: criteria provided, single submitter. Criteria: Invitae Variant Classification Sherloc (09022015). Collection method: clinical testing. Allele origin: germline.
Comment: In summary, the available evidence is currently insufficient to determine the role of this variant in disease. Therefore, it has been classified as a Variant of Uncertain Significance. Algorithms developed to predict the effect of missense changes on protein structure and function are either unavailable or do not agree on the potential impact of this missense change (SIFT: "Deleterious"; PolyPhen-2: "Benign"; Align-GVGD: "Class C25"). This variant has not been reported in the literature in individuals affected with PHKA2-related conditions. This variant is not present in population databases (gnomAD no frequency). This sequence change replaces serine, which is neutral and polar, with arginine, which is basic and polar, at codon 1172 of the PHKA2 protein (p.Ser1172Arg).